The following is an entry in ClinVar:

NM_002317.7(LOX):c.1021A>C (p.Thr341Pro)

Genes: LOX (lysyl oxidase; minus strand), SRFBP1 (serum response factor binding protein 1; plus strand). Cytogenetic location: 5q23.1.
Variant type: single nucleotide variant.
Coding change: c.1021A>C on transcript NM_002317.7 (MANE Select); coding-DNA position 1021, A replaced by C.
Protein change: p.Thr341Pro; replaces threonine 341 with proline.
Molecular consequence: missense variant.
Genome position (GRCh38, 1-based): chr5:122,074,027, T>G on the plus strand (A>C on the coding strand, the complement: LOX is on the minus strand). VCF-style: chr5-122074027-T-G. GRCh37 (hg19) VCF-style: chr5-121409722-T-G.
Other names: c.331A>C, p.Thr111Pro (NM_001178102.2); c.130A>C, p.Thr44Pro (NM_001317073.1); short protein forms T111P, T341P, T44P.
Identifiers: ClinVar variation 995862 (VCV000995862.3), dbSNP rs1436353084, ClinGen allele CA360881344.

ClinVar aggregate classification (germline): Likely pathogenic (1 of 4 stars; one submission).

Conditions:
Cutis laxa. Identifiers: Orphanet 209, MedGen C0010495, MONDO:0016175, HP:0000973.
Generalized arterial tortuosity. Identifiers: MedGen C1836651, HP:0004955.

Submission:

Center for Medical Genetics Ghent, University of Ghent
Classification: Likely pathogenic for Generalized arterial tortuosity; Cutis laxa. Last evaluated: 2021-01-05. Review status: criteria provided, single submitter. Criteria: ACMG Guidelines, 2015. Collection method: clinical testing. Allele origin: inherited. Inheritance: Autosomal recessive inheritance. Affected: yes. Observed: 1 variant allele, 1 homozygote.
Comment: Several lines of evidence support the pathogenicity of the LOX variants in the patientsâ€™ phenotype. Firstly, the mutation is located in the catalytic domain, absent in control databases and predicted deleterious by all in silico prediction algorithms including Polyphen2, SIFT, Provean and Mutation Taster. Secondly, Lysyl oxidase directly interacts with Fibulin-4 (EFEMP2), the protein deficient in ARCL1B, with similar clinical effects on the vasculature, skin (cutis laxa), skeleton and respiratory system (including diaphragmatic abnormalities). Thirdly, several LOX knockout mouse models (Lox-/-) have been generated that presented with a very similar clinical phenotype to that seen in our patients. Fourthly, the ultrastructural findings can be interpreted as showing a significant fault in elastogenesis; the microfibrillar scaffolding of the elastic fibre is forming but the actual assembly of elastin in its interstices is minimal, all of which is consistent with a lysyl oxidase anomaly 6.